The following is an entry in ClinVar:

ClinVar aggregate classification (germline): Conflicting classifications of pathogenicity. Review status: criteria provided, conflicting classifications (1 of 4 stars). 2 submissions from 2 submitters: Likely pathogenic (1); Uncertain significance (1). Last evaluated 2023-02-03.

Submissions (2):

Labcorp Genetics (formerly Invitae), Labcorp
Classification: Likely pathogenic. Last evaluated: 2023-02-03. Review status: criteria provided, single submitter. Criteria: Invitae Variant Classification Sherloc (09022015). Collection method: clinical testing. Allele origin: germline.
Comment: In summary, the currently available evidence indicates that the variant is pathogenic, but additional data are needed to prove that conclusively. Therefore, this variant has been classified as Likely Pathogenic. This variant disrupts the p.Leu673 amino acid residue in PHEX. Other variant(s) that disrupt this residue have been determined to be pathogenic (PMID: 29460029; Invitae). This suggests that this residue is clinically significant, and that variants that disrupt this residue are likely to be disease-causing. Advanced modeling of protein sequence and biophysical properties (such as structural, functional, and spatial information, amino acid conservation, physicochemical variation, residue mobility, and thermodynamic stability) performed at Invitae indicates that this missense variant is expected to disrupt PHEX protein function. This variant has not been reported in the literature in individuals affected with PHEX-related conditions. This variant is not present in population databases (gnomAD no frequency). This sequence change replaces leucine, which is neutral and non-polar, with proline, which is neutral and non-polar, at codon 673 of the PHEX protein (p.Leu673Pro).

GeneDx
Classification: Uncertain significance. Last evaluated: 2023-01-24. Review status: criteria provided, single submitter. Criteria: GeneDx Variant Classification Process June 2021. Collection method: clinical testing. Allele origin: germline. Affected: yes.
Comment: Not observed at significant frequency in large population cohorts (gnomAD); In silico analysis supports that this missense variant has a deleterious effect on protein structure/function; Has not been previously published as pathogenic or benign to our knowledge

Literature cited by the submitters: PubMed 29460029 (cited by Labcorp Genetics (formerly Invitae), Labcorp).

NM_000444.6(PHEX):c.2018T>C (p.Leu673Pro)

Genes: PHEX (phosphate regulating endopeptidase X-linked; plus strand), PTCHD1-AS (PTCHD1 and PHEX antisense RNA; minus strand). Cytogenetic location: Xp22.11.
Variant type: single nucleotide variant.
Coding change: c.2018T>C on transcript NM_000444.6 (MANE Select); coding-DNA position 2018, T replaced by C.
Protein change: p.Leu673Pro; replaces leucine 673 with proline.
Molecular consequence: missense variant. On other transcripts: non-coding transcript variant (1).
Genome position (GRCh38, 1-based): chrX:22,227,559, T>C. VCF-style: chrX-22227559-T-C. GRCh37 (hg19) VCF-style: chrX-22245676-T-C.
Other names: c.2018T>C, p.Leu673Pro (NM_001282754.2); short protein forms L673P.
Identifiers: ClinVar variation 2573892 (VCV002573892.4), dbSNP rs1935549921, ClinGen allele CA412574401.